The following is an entry in ClinVar:

NM_012431.3(SEMA3E):c.1598G>A (p.Arg533Gln)

Gene: SEMA3E (semaphorin 3E; minus strand). Cytogenetic location: 7q21.11.
Variant type: single nucleotide variant.
Coding change: c.1598G>A on transcript NM_012431.3 (MANE Select); coding-DNA position 1598, G replaced by A.
Protein change: p.Arg533Gln; replaces arginine 533 with glutamine.
Molecular consequence: missense variant.
Genome position (GRCh38, 1-based): chr7:83,392,624, C>T on the plus strand (G>A on the coding strand, the complement: SEMA3E is on the minus strand). VCF-style: chr7-83392624-C-T. GRCh37 (hg19) VCF-style: chr7-83021940-C-T.
Other names: c.1418G>A, p.Arg473Gln (NM_001178129.2); short protein forms R473Q, R533Q.
Identifiers: ClinVar variation 4759218 (VCV004759218.1).

ClinVar aggregate classification (germline): Likely benign (1 of 4 stars; one submission).

Conditions:
CHARGE syndrome (CHARGE). Also called: Hittner Hirsch Kreh syndrome; CHARGE ASSOCIATION--COLOBOMA, HEART ANOMALY, CHOANAL ATRESIA, RETARDATION, GENITAL AND EAR ANOMALIES; Coloboma, heart anomaly, choanal atresia, retardation, genital and ear anomalies; CHARGE association; Hall-Hittner syndrome. Identifiers: Orphanet 138, MedGen C0265354, MONDO:0008965.

gnomAD v4.1: 3 of 1,613,834 alleles (0.00019%); highest among the groups gnomAD compares: Non-Finnish European, 0.00025%; no homozygotes.

Submission:

Centre for Medical Genetics,  Mumbai
Classification: Likely benign for Charge syndrome. Last evaluated: 2026-02-09. Review status: criteria provided, single submitter. Criteria: ACMG Guidelines, 2015. Collection method: provider interpretation. Allele origin: germline. Inheritance: Autosomal dominant inheritance. Affected: no. Observed: 1 heterozygote.
Comment: The variant satisfies PM2 criteria; Extremely low frequency in gnomAD population databases. However, the variant satisfies BS2 criteria.

Literature cited by the submitters: PubMed 15235037.